The following is an entry in ClinVar:

ClinVar aggregate classification (germline): Uncertain significance. Review status: criteria provided, multiple submitters, no conflicts (2 of 4 stars). 2 submissions from 2 submitters: Uncertain significance (2). Last evaluated 2023-04-06.

Conditions:
Inborn genetic diseases. Identifiers: MedGen C0950123, MeSH D030342.

Allele frequency attached by ClinVar (database versions not stated): ExAC 0.00002; ESP Exome Variant Server 0.00008; 1000 Genomes Project 0.00020; 1000 Genomes Project 30x 0.00031.
gnomAD v4.1: 73 of 1,613,478 alleles (0.0045%); highest among the groups gnomAD compares: East Asian, 0.042%; no homozygotes.

Submissions (2):

Ambry Genetics
Classification: Uncertain significance for Inborn genetic diseases. Last evaluated: 2023-04-06. Review status: criteria provided, single submitter. Criteria: Ambry Variant Classification Scheme 2023. Collection method: clinical testing. Allele origin: germline.

Labcorp Genetics (formerly Invitae), Labcorp
Classification: Uncertain significance. Last evaluated: 2022-08-20. Review status: criteria provided, single submitter. Criteria: Invitae Variant Classification Sherloc (09022015). Collection method: clinical testing. Allele origin: germline.
Comment: This sequence change replaces arginine, which is basic and polar, with histidine, which is basic and polar, at codon 415 of the MCM3AP protein (p.Arg415His). The frequency data for this variant in the population databases is considered unreliable, as metrics indicate poor data quality at this position in the gnomAD database. This variant has not been reported in the literature in individuals affected with MCM3AP-related conditions. ClinVar contains an entry for this variant (Variation ID: 1517768). Algorithms developed to predict the effect of missense changes on protein structure and function output the following: SIFT: "Deleterious"; PolyPhen-2: "Benign"; Align-GVGD: "Class C0". The histidine amino acid residue is found in multiple mammalian species, which suggests that this missense change does not adversely affect protein function. In summary, the available evidence is currently insufficient to determine the role of this variant in disease. Therefore, it has been classified as a Variant of Uncertain Significance.

NM_003906.5(MCM3AP):c.1244G>A (p.Arg415His)

Gene: MCM3AP (minichromosome maintenance complex component 3 associated protein; minus strand). Cytogenetic location: 21q22.3.
Variant type: single nucleotide variant.
Coding change: c.1244G>A on transcript NM_003906.5 (MANE Select); coding-DNA position 1244, G replaced by A.
Protein change: p.Arg415His; replaces arginine 415 with histidine.
Molecular consequence: missense variant.
Genome position (GRCh38, 1-based): chr21:46,283,814, C>T on the plus strand (G>A on the coding strand, the complement: MCM3AP is on the minus strand). VCF-style: chr21-46283814-C-T. GRCh37 (hg19) VCF-style: chr21-47703728-C-T.
Other names: c.1244G>A (NM_003906.3); short protein forms R415H.
Identifiers: ClinVar variation 1517768 (VCV001517768.4), dbSNP rs146531143, ClinGen allele CA10077137.